The following is an entry in ClinVar:

NM_006929.5(SKIC2):c.1654G>A (p.Gly552Arg)

Gene: SKIC2 (SKI2 subunit of superkiller complex; plus strand). Cytogenetic location: 6p21.33.
Variant type: single nucleotide variant.
Coding change: c.1654G>A on transcript NM_006929.5 (MANE Select); coding-DNA position 1654, G replaced by A.
Protein change: p.Gly552Arg; replaces glycine 552 with arginine.
Molecular consequence: missense variant.
Genome position (GRCh38, 1-based): chr6:31,963,919, G>A. VCF-style: chr6-31963919-G-A. GRCh37 (hg19) VCF-style: chr6-31931696-G-A.
Other names: p.Gly552Arg; c.1654G>A (NM_006929.4); short protein forms G552R.
Identifiers: ClinVar variation 1577796 (VCV001577796.12), dbSNP rs144670908, ClinGen allele CA3729552.
Genomic context (GRCh38, chr6:31,963,919, plus strand): 5'-TCATTGGTTCAGGAACTCAACCTCTGCTCCTTCCCCTTCCCCTTCCTTCTCCAGGACCGC[G>A]GAGTGTACCTGTCCCTCCTGGCCTCCCTCCGCACACGTGCCCAGTTGCCCGTGGTGGTGT-3'
Protein context (NP_008860.4, residues 542-562): THQGGPAQDR[Gly552Arg]VYLSLLASLR

ClinVar aggregate classification (germline): Conflicting classifications of pathogenicity. Review status: criteria provided, conflicting classifications (1 of 4 stars). 4 submissions from 4 submitters: Uncertain significance (1); Likely benign (2). 1 of the submissions does not count toward it. Last evaluated 2026-01-31.

Conditions:
Inborn genetic diseases. Identifiers: MedGen C0950123, MeSH D030342.
SKIC2-related disorder. Also called: SKIC2-related condition.

Allele frequency attached by ClinVar (database versions not stated): gnomAD exomes 0.00058; ExAC 0.00063; 1000 Genomes Project 30x 0.00141; ESP Exome Variant Server 0.00142; gnomAD 0.00142 and 0.00146; 1000 Genomes Project 0.00160; TOPMed 0.00178.
gnomAD v4.1: 619 of 1,610,260 alleles (0.038%); highest among the groups gnomAD compares: African/African-American, 0.33%; 2 homozygotes.

Submissions (7):

Labcorp Genetics (formerly Invitae), Labcorp
Classification: Likely benign. Last evaluated: 2026-01-31. Review status: criteria provided, single submitter. Criteria: Invitae Variant Classification Sherloc (09022015). Collection method: clinical testing. Allele origin: germline.

Mayo Clinic Laboratories, Mayo Clinic
Classification: Likely benign. Last evaluated: 2025-02-26. Review status: criteria provided, single submitter. Criteria: ACMG Guidelines, 2015. Collection method: clinical testing. Allele origin: germline. Observed: 1 variant allele.
Comment: BS1, BP4

Ambry Genetics
Classification: Uncertain significance for Inborn genetic diseases. Last evaluated: 2021-10-18. Review status: criteria provided, single submitter. Criteria: Ambry Variant Classification Scheme 2023. Collection method: clinical testing. Allele origin: germline.

PreventionGenetics, part of Exact Sciences
Classification: Likely benign for SKIC2-related condition. Last evaluated: 2024-05-01. Review status: no assertion criteria provided. Collection method: clinical testing. Allele origin: germline. Not counted in ClinVar's aggregate classification.
Comment: This variant is classified as likely benign based on ACMG/AMP sequence variant interpretation guidelines (Richards et al. 2015 PMID: 25741868, with internal and published modifications).

Dr. Peter K. Rogan Lab, Western University
No classification provided (evidence only). Condition: Lung cancer. Review status: no classification provided. Collection method: in vitro. Allele origin: not applicable. Functional consequence: retained intron. Not counted in ClinVar's aggregate classification.

Dr. Peter K. Rogan Lab, Western University
No classification provided (evidence only). Condition: Melanoma. Review status: no classification provided. Collection method: in vitro. Allele origin: not applicable. Functional consequence: retained intron. Not counted in ClinVar's aggregate classification.

Dr. Peter K. Rogan Lab, Western University
No classification provided (evidence only). Condition: Ovarian serous cystadenocarcinoma. Review status: no classification provided. Collection method: in vitro. Allele origin: not applicable. Functional consequence: retained intron. Not counted in ClinVar's aggregate classification.